The following is an entry in ClinVar:

NM_000157.4(GBA1):c.770A>T (p.Asp257Val)

Genes: GBA1 (glucosylceramidase beta 1; minus strand), LOC106627981 (GBA recombination region; plus strand). Cytogenetic location: 1q22.
Variant type: single nucleotide variant.
Coding change: c.770A>T on transcript NM_000157.4 (MANE Select); coding-DNA position 770, A replaced by T.
Protein change: p.Asp257Val; replaces aspartic acid 257 with valine.
Molecular consequence: missense variant.
Genome position (GRCh38, 1-based): chr1:155,237,570, T>A on the plus strand (A>T on the coding strand, the complement: GBA1 is on the minus strand). VCF-style: chr1-155237570-T-A. GRCh37 (hg19) VCF-style: chr1-155207361-T-A.
Other names: c.770A>T, p.Asp257Val (NM_001005741.3, NM_001005742.3); c.509A>T, p.Asp170Val (NM_001171811.2); c.623A>T, p.Asp208Val (NM_001171812.2); short protein forms D170V, D208V, D257V.
Identifiers: ClinVar variation 4817810 (VCV004817810.1).
Genomic context (GRCh38, chr1:155,237,570, plus strand): 5'-GCAGAAGGCTCATTTTCAGCTGTCACTGCCCAGAACTGTAACTTGTGCTCAGCATAGGCA[T>A]CCAGGAACCTGGCAAGAGAAAGGTCATGAATGATCCGGCCAAGAAAGTGGACCAGACCAG-3'
Protein context (NP_000148.2, residues 247-267): TWARYFVKFL[Asp257Val]AYAEHKLQFW

ClinVar aggregate classification (germline): Likely pathogenic (1 of 4 stars; one submission).

Conditions:
Gaucher disease. Also called: Acute cerebral Gaucher disease; Cerebroside lipidosis syndrome; Gaucher splenomegaly; Sphingolipidosis 1; Glucocerebrosidosis; Glucosylceramidase deficiency. Identifiers: Orphanet 355, MedGen C0017205, MONDO:0018150.

gnomAD v4.1: 4 of 1,613,572 alleles (0.00025%); no homozygotes.

Submission:

Natera, Inc.
Classification: Likely pathogenic for Gaucher disease. Last evaluated: 2025-07-28. Review status: criteria provided, single submitter. Criteria: Natera Variant Classification Schema (03/2026). Collection method: clinical testing. Allele origin: germline.
Comment: The c.770A>T variant in GBA1 is a missense variant predicted to cause substitution of aspartic acid to valine at amino acid 257. This variant is rare in the general population with a frequency below the threshold expected for the associated phenotype(s). This variant has been observed in one or more individuals affected with the associated recessive disease, as either homozygous or compound heterozygous with a second variant (PMID: 30023299, 34649574). This variant has been identified in one or more affected individuals with a phenotype highly consistent with the associated gene (PMID: 30023299, 34649574). Computational prediction algorithms indicate this variant is likely to affect gene or protein function. Given the available evidence, this variant is classified as Likely Pathogenic.

Literature cited by the submitters: PubMed 30023299; PubMed 34649574.